The following is an entry in ClinVar:

ClinVar aggregate classification (germline): Uncertain significance (1 of 4 stars; one submission).

Conditions:
Hypertrophic cardiomyopathy. Also called: HYPERTROPHIC MYOCARDIOPATHY. Identifiers: Orphanet 217569, MedGen C0007194, MeSH D002312, MONDO:0005045, HP:0001639.

Submission:

All of Us Research Program, National Institutes of Health
Classification: Uncertain significance for Hypertrophic cardiomyopathy. Last evaluated: 2023-12-01. Review status: criteria provided, single submitter. Criteria: ACMG Guidelines, 2015. Collection method: clinical testing. Allele origin: germline. Inheritance: Autosomal dominant inheritance. Observed: 3 variant alleles, 3 heterozygotes.
Comment: This variant causes a deletion of one nucleotide in intron 4 of the ACTC1 gene. To our knowledge, functional studies have not been reported for this variant. This variant has not been reported in individuals affected with ACTC1-related disorders in the literature. This variant has not been identified in the general population by the Genome Aggregation Database (gnomAD). The available evidence is insufficient to determine the role of this variant in disease conclusively. Therefore, this variant is classified as a Variant of Uncertain Significance.

This study involves interpretation of variants in research participants for the purpose of population health screening. Participant phenotype was not available at the time of variant classification. Additional details can be found in publication PMID: 35346344, PMCID: PMC8962531

NM_005159.5(ACTC1):c.617-11del

Genes: ACTC1 (actin alpha cardiac muscle 1; minus strand), GJD2-DT (GJD2 divergent transcript; plus strand). Cytogenetic location: 15q14.
Variant type: Deletion.
Coding change: c.617-11del on transcript NM_005159.5 (MANE Select); 11 bases into the intron before coding-DNA position 617, one base deleted (T; older notation c.617-11delT).
Molecular consequence: intron variant.
Genome position (GRCh38, 1-based): chr15:34,792,292, A deleted on the plus strand (T on the coding strand, the reverse complement: ACTC1 is on the minus strand); the first of 3 consecutive A bases (chr15:34,792,292-34,792,294); deleting any one gives the same sequence. VCF-style (leftmost placement, unchanged base first): chr15-34792291-TA-T. GRCh37 (hg19) VCF-style: chr15-35084492-TA-T.
Other names: c.617-11del (NM_001406483.1, NM_001406482.1); c.176-11del (NM_001406485.1); c.482-11del (NM_001406484.1).
Identifiers: ClinVar variation 3070404 (VCV003070404.1), dbSNP rs1891721057, ClinGen allele CA2627662895.
Genomic context (GRCh38, chr15:34,792,291, plus strand): 5'-GGGCGACATAGCACAGCTTCTCTTTAATGTCACGGACAATTTCACGTTCAGCTACAGAAA[TA>T]AAGAGTATCACAGTCATGCTCTGAAGCAAGAAGTCAATTATAGGGAGGTAGGCGGATTCA-3'